The following is an entry in ClinVar:

ClinVar aggregate classification (germline): Uncertain significance (1 of 4 stars; one submission).

gnomAD v4.1: 12 of 1,613,844 alleles (0.00074%); highest among the groups gnomAD compares: African/African-American, 0.0027%; no homozygotes.

Submission:

Genetic Services Laboratory, University of Chicago
Classification: Uncertain significance. Last evaluated: 2023-01-25. Review status: criteria provided, single submitter. Criteria: ACMG Guidelines, 2015. Collection method: clinical testing. Allele origin: germline. Affected: no.
Comment: DNA sequence analysis of the ITK gene demonstrated a sequence change, c.1180C>T, in exon 12 that results in an amino acid change, p.Arg394Trp. This sequence change does not appear to have been previously described in individuals with ITK-related disorders. This sequence change has been described in the gnomAD database in two individuals which corresponds to a population frequency of 0.0008% (dbSNP rs202119873). The p.Arg394Trp change affects a moderately conserved amino acid residue located in a domain of the ITK protein that is known to be functional. In-silico pathogenicity prediction tools (SIFT, PolyPhen2, Align GVGD, REVEL) provide contradictory results for the p.Arg394Trp substitution. Due to insufficient evidence and the lack of functional studies, the clinical significance of the p.Arg394Trp change remains unknown at this time.

NM_005546.4(ITK):c.1180C>T (p.Arg394Trp)

Gene: ITK (IL2 inducible T cell kinase; plus strand). Cytogenetic location: 5q33.3.
Variant type: single nucleotide variant.
Coding change: c.1180C>T on transcript NM_005546.4 (MANE Select); coding-DNA position 1180, C replaced by T.
Protein change: p.Arg394Trp; replaces arginine 394 with tryptophan.
Molecular consequence: missense variant.
Genome position (GRCh38, 1-based): chr5:157,243,742, C>T. VCF-style: chr5-157243742-C-T. GRCh37 (hg19) VCF-style: chr5-156670752-C-T.
Other names: short protein forms R394W.
Identifiers: ClinVar variation 4082453 (VCV004082453.2).